The following is an entry in ClinVar:

ClinVar aggregate classification (germline): Uncertain significance (1 of 4 stars; one submission).

Submission:

ISCA site 17
Classification: Uncertain significance. Last evaluated: 2011-08-12. Review status: criteria provided, single submitter. Criteria: Kaminsky et al. (Genet Med. 2011). Collection method: clinical testing. Allele origin: unknown. Affected: yes. Observed: 1 variant allele.
Comment: Copy number variation identified through the course of routine clinical cytogenomic testing in postnatal populations. Clinical assertions have been curated as described in Kaminsky et al. 2011.

GRCh38/hg38 19q13.31(chr19:43338231-43853163)x3

Genes: PHLDB3 (pleckstrin homology like domain family B member 3; minus strand), PINLYP (phospholipase A2 inhibitor and LY6/PLAUR domain containing; plus strand), PLAUR (plasminogen activator, urokinase receptor; minus strand), PRG1 (p53-responsive gene 1; plus strand), SMG9 (SMG9 nonsense mediated mRNA decay factor; minus strand) and 52 more. Cytogenetic location: 19q13.31.
Variant type: copy number gain.
Change: copy number 3 (three copies instead of two) of chr19:43,338,231-43,853,163 (514.9 kb, GRCh38 coordinates, 1-based), cytogenetic band 19q13.31.
Identifiers: ClinVar variation 60277 (VCV000060277.1).